The following is an entry in ClinVar:

NM_006517.5(SLC16A2):c.940C>T (p.Arg314Ter)

Gene: SLC16A2 (solute carrier family 16 member 2; plus strand). Cytogenetic location: Xq13.2.
Variant type: single nucleotide variant.
Coding change: c.940C>T on transcript NM_006517.5 (MANE Select); coding-DNA position 940, C replaced by T.
Protein change: p.Arg314Ter; replaces arginine 314 with a stop codon.
Molecular consequence: nonsense.
Genome position (GRCh38, 1-based): chrX:74,524,723, C>T. VCF-style: chrX-74524723-C-T. GRCh37 (hg19) VCF-style: chrX-73744558-C-T.
Other names: short protein forms R314*.
Identifiers: ClinVar variation 212186 (VCV000212186.13), dbSNP rs766773277, ClinGen allele CA277146.

ClinVar aggregate classification (germline): Pathogenic. Review status: criteria provided, multiple submitters, no conflicts (2 of 4 stars). 5 submissions from 5 submitters: Pathogenic (5). Last evaluated 2024-07-08.

Conditions:
SLC16A2-related disorder. Also called: SLC16A2-related condition.
Spastic paraplegia. Identifiers: MedGen C0037772, HP:0001258.
Allan-Herndon-Dudley syndrome (AHDS). Also called: ALLAN-HERNDON SYNDROME; T3 RESISTANCE; TRIIODOTHYRONINE RESISTANCE; Passos-Bueno syndrome; MENTAL RETARDATION AND MUSCULAR ATROPHY. Identifiers: Orphanet 59, MedGen C0795889, MONDO:0010354, OMIM 300523.

Submissions (5):

Blueprint Genetics
Classification: Pathogenic for SLC16A2-related disorders. Last evaluated: 2024-07-08. Review status: criteria provided, single submitter. Criteria: ACMG Guidelines, 2015. Collection method: clinical testing. Allele origin: germline. Affected: yes. Observed: 1 variant allele.

Labcorp Genetics (formerly Invitae), Labcorp
Classification: Pathogenic for Spastic paraplegia. Last evaluated: 2024-01-25. Review status: criteria provided, single submitter. Criteria: Invitae Variant Classification Sherloc (09022015). Collection method: clinical testing. Allele origin: germline.
Comment: This sequence change creates a premature translational stop signal (p.Arg314*) in the SLC16A2 gene. It is expected to result in an absent or disrupted protein product. Loss-of-function variants in SLC16A2 are known to be pathogenic (PMID: 20083155, 25527620). This variant is not present in population databases (gnomAD no frequency). This premature translational stop signal has been observed in individual(s) with MCT8 deficiency (PMID: 32559475). This variant is also known as p.R388X. ClinVar contains an entry for this variant (Variation ID: 212186). Algorithms developed to predict the effect of sequence changes on RNA splicing suggest that this variant may disrupt the consensus splice site. For these reasons, this variant has been classified as Pathogenic.

3billion
Classification: Pathogenic for Allan-Herndon-Dudley syndrome. Last evaluated: 2021-10-02. Review status: criteria provided, single submitter. Criteria: ACMG Guidelines, 2015. Collection method: clinical testing. Allele origin: unknown. Affected: yes. Observed: 1 hemizygote.
Comment: Stop-gained (nonsense): predicted to result in a loss or disruption of normal protein function through nonsense-mediated decay (NMD) or protein truncation. Multiple pathogenic variants are reported downstream of the variant (PVS1_VS). It is not observed in the gnomAD v2.1.1 dataset (PM2). The variant has been reported as pathogenic (ClinVar ID: VCV000212186.1). Therefore, this variant is classified as pathogenic according to the recommendation of ACMG/AMP guideline.

GeneDx
Classification: Pathogenic. Last evaluated: 2016-01-04. Review status: criteria provided, single submitter. Criteria: GeneDx Variant Classification (06012015). Collection method: clinical testing. Allele origin: germline. Affected: yes.
Comment: The R314X variant in the SLC16A2 gene has not been reported previously as a pathogenic variant nor as a benign variant, to our knowledge. This variant is predicted to cause loss of normal protein function either through protein truncation or nonsense-mediated mRNA decay. The R314X variant was not observed in approximately 6500 individuals of European and African American ancestry in the NHLBI Exome Sequencing Project, indicating it is not a common benign variant in these populations. Protein truncating pathogenic variants downstream of this variant have been reported in the Human Gene Mutation Database in association with Allan-Herndon-Dudley syndrome (Stenson et al., 2014), supporting the pathogenicity of more upstream truncating variants. We interpret R314X as a pathogenic variant.

Genetic Services Laboratory, University of Chicago
Classification: Pathogenic for Allan-Herndon-Dudley syndrome. Last evaluated: 2014-06-11. Review status: criteria provided, single submitter. Criteria: ACMG Guidelines, 2015. Collection method: clinical testing. Allele origin: germline. Affected: yes.

Literature cited by the submitters: PubMed 20083155 (cited by Labcorp Genetics (formerly Invitae), Labcorp); PubMed 25527620 (cited by Labcorp Genetics (formerly Invitae), Labcorp); PubMed 32559475 (cited by Labcorp Genetics (formerly Invitae), Labcorp).